The following is an entry in ClinVar:

NM_004380.3(CREBBP):c.2455G>A (p.Val819Met)

Gene: CREBBP (CREB binding lysine acetyltransferase; minus strand). Cytogenetic location: 16p13.3.
Variant type: single nucleotide variant.
Coding change: c.2455G>A on transcript NM_004380.3 (MANE Select); coding-DNA position 2455, G replaced by A.
Protein change: p.Val819Met; replaces valine 819 with methionine.
Molecular consequence: missense variant.
Genome position (GRCh38, 1-based): chr16:3,773,759, C>T on the plus strand (G>A on the coding strand, the complement: CREBBP is on the minus strand). VCF-style: chr16-3773759-C-T. GRCh37 (hg19) VCF-style: chr16-3823760-C-T.
Other names: c.2341G>A, p.Val781Met (NM_001079846.1); short protein forms V781M, V819M.
Identifiers: ClinVar variation 3356247 (VCV003356247.2).
Genomic context (GRCh38, chr16:3,773,759, plus strand): 5'-AACACAAGAATTTTATTTCCTAGGGAGCCACGGTCCCAGTGGGGCACAGTACCTGTGACA[C>T]GCCTGTTTGGGCTGGCGGCTGCCCCATGCCCACACTCATCGCCCCGCTGGATGACGGGAA-3'
Protein context (NP_004371.2, residues 809-829): GMGQPPAQTG[Val819Met]SQGQVPGAAL

ClinVar aggregate classification (germline): Benign. Review status: criteria provided, single submitter (1 of 4 stars). 2 submissions from 2 submitters: Benign (1). 1 of the submissions does not count toward it. Last evaluated 2026-01-13.

Conditions:
Rubinstein-Taybi syndrome (RSTS). Identifiers: Orphanet 783, MedGen C0035934, MONDO:0019188.
CREBBP-related disorder. Also called: CREBBP-related condition; CREBBP-related disorders.

gnomAD v4.1: 76 of 1,613,872 alleles (0.0047%); highest among the groups gnomAD compares: Middle Eastern, 0.033%; no homozygotes.

Submissions (2):

Labcorp Genetics (formerly Invitae), Labcorp
Classification: Benign for Rubinstein-Taybi syndrome. Last evaluated: 2026-01-13. Review status: criteria provided, single submitter. Criteria: Invitae Variant Classification Sherloc (09022015). Collection method: clinical testing. Allele origin: germline.

PreventionGenetics, part of Exact Sciences
Classification: Likely benign for CREBBP-related condition. Last evaluated: 2024-04-01. Review status: no assertion criteria provided. Collection method: clinical testing. Allele origin: germline. Not counted in ClinVar's aggregate classification.
Comment: This variant is classified as likely benign based on ACMG/AMP sequence variant interpretation guidelines (Richards et al. 2015 PMID: 25741868, with internal and published modifications).